The following is an entry in ClinVar:

NM_001365536.1(SCN9A):c.5945A>T (p.Asp1982Val)

Genes: SCN1A-AS1 (SCN1A and SCN9A antisense RNA 1; plus strand), SCN9A (sodium voltage-gated channel alpha subunit 9; minus strand). Cytogenetic location: 2q24.3.
Variant type: single nucleotide variant.
Coding change: c.5945A>T on transcript NM_001365536.1 (MANE Select); coding-DNA position 5945, A replaced by T.
Protein change: p.Asp1982Val; replaces aspartic acid 1982 with valine.
Molecular consequence: missense variant.
Genome position (GRCh38, 1-based): chr2:166,198,694, T>A on the plus strand (A>T on the coding strand, the complement: SCN9A is on the minus strand). VCF-style: chr2-166198694-T-A. GRCh37 (hg19) VCF-style: chr2-167055204-T-A.
Other names: c.5912A>T, p.Asp1971Val (NM_002977.4); short protein forms D1982V, D1971V.
Identifiers: ClinVar variation 646093 (VCV000646093.25), dbSNP rs199822303, ClinGen allele CA1943596.
Genomic context (GRCh38, chr2:166,198,694, plus strand): 5'-CTTTCACAGGCTGTAAACAATATATCAAAAATGAAGCTCTATTTTTTGCTTTCCTTGCTG[T>A]CTTTCCCTTTGTCTTCCTTTTCTGTTCTGTCTTGTTCATATTTCTCTTTGTCTGGCTTTG-3'
Protein context (NP_001352465.1, residues 1972-1988): DRTEKEDKGK[Asp1982Val]SKESKK

ClinVar aggregate classification (germline): Conflicting classifications of pathogenicity. Review status: criteria provided, conflicting classifications (1 of 4 stars). 9 submissions from 7 submitters: Uncertain significance (3); Benign (2); Likely benign (2). 2 of the submissions do not count toward it. Last evaluated 2026-01-01.

Conditions:
Neuropathy, hereditary sensory and autonomic, type 2A (HSAN2A). Also called: WNK1-Related HSAN2 (HSAN2A); ACROOSTEOLYSIS, GIACCAI TYPE; ACROOSTEOLYSIS, NEUROGENIC; MORVAN DISEASE; NEUROPATHY, CONGENITAL SENSORY; NEUROPATHY, HEREDITARY SENSORY RADICULAR, AUTOSOMAL RECESSIVE. Identifiers: Orphanet 970, MedGen C2752089, MONDO:0024309, OMIM 201300.
Generalized epilepsy with febrile seizures plus, type 7 (GEFSP7). Also called: GEFS+, TYPE 7. Identifiers: Orphanet 36387, MedGen C2751778, MONDO:0013470, OMIM 613863.
Inborn genetic diseases. Identifiers: MedGen C0950123, MeSH D030342.
Paroxysmal extreme pain disorder (PEXPD). Also called: SCN9A Paroxysmal Extreme Pain Disorder (SCN9A-PEPD); PAIN, SUBMANDIBULAR, OCULAR, AND RECTAL, WITH FLUSHING; RECTAL PAIN, FAMILIAL. Identifiers: Orphanet 46348, MedGen C1833661, MONDO:0008179, OMIM 167400.
Primary erythromelalgia. Also called: primary erythermalgia; SCN9A Erythromelalgia (SCN9A-EM). Identifiers: Orphanet 306577, Orphanet 90026, MedGen C0014805, MONDO:0007571, OMIM 133020.
Channelopathy-associated congenital insensitivity to pain, autosomal recessive. Also called: Insensitivity to pain, channelopathy-associated; ASYMBOLIA FOR PAIN; CONGENITAL ANALGESIA, AUTOSOMAL RECESSIVE. Identifiers: Orphanet 88642, Orphanet 970, MedGen C1855739, MONDO:0009459, OMIM 243000.

Allele frequency attached by ClinVar (database versions not stated): gnomAD 0.00006; TOPMed 0.00008; gnomAD exomes 0.00009; ESP Exome Variant Server 0.00017; ExAC 0.00019; 1000 Genomes Project 30x 0.00031.
gnomAD v4.1: 137 of 1,604,186 alleles (0.0085%); highest among the groups gnomAD compares: Non-Finnish European, 0.011%; no homozygotes.

Submissions (9):

Labcorp Genetics (formerly Invitae), Labcorp
Classification: Likely benign for Neuropathy, hereditary sensory and autonomic, type 2A; Generalized epilepsy with febrile seizures plus, type 7. Last evaluated: 2026-01-01. Review status: criteria provided, single submitter. Criteria: Invitae Variant Classification Sherloc (09022015). Collection method: clinical testing. Allele origin: germline.

Women's Health and Genetics/Laboratory Corporation of America, LabCorp
Classification: Likely benign. Last evaluated: 2023-05-25. Review status: criteria provided, single submitter. Criteria: LabCorp Variant Classification Summary - May 2015. Collection method: clinical testing. Allele origin: germline.
Comment: Variant summary: SCN9A c.5912A>T (p.Asp1971Val) results in a non-conservative amino acid change in the encoded protein sequence. Five of five in-silico tools predict a damaging effect of the variant on protein function. The variant allele was found at a frequency of 8.8e-05 in 239320 control chromosomes, found predominantly at a frequency of 0.00018 (20 individuals) in the Non-Finnish European subpopulation of the gnomAD database, suggesting it is unlikely to be associated with an autosomal dominant condition and may be a benign polymorphism found primarily in individuals of Non-Finish European ancestry. c.5912A>T has been reported in the literature as a heterozygous genotype in at least one individual affected with small fiber neuropathy and two individuals suspected of Charcot-Marie-Tooth disease (e.g. Brouwer_2014, Eijkenboom_2019, Vaeth_2019). These reports do not provide unequivocal conclusions about association of the variant with disease. Furthermore, the association of the SCN9A with epilepsy is refuted by ClinGen. To our knowledge, no experimental evidence demonstrating an impact on protein function has been reported. The following publications have been ascertained in the context of this evaluation (PMID: 25250524, 30554136, 29653220). Five clinical diagnostic laboratories have submitted clinical-significance assessments for this variant to ClinVar after 2014 and classified the variant as benign (n=1)/likely benign (n=1) and VUS (n=3). Based on the data outlined above, we do not find any evidence for the association of this variant with an autosomal dominant or autosomal recessive SCN9A-related disorder, therefore the variant was classified as likely benign.

Ambry Genetics
Classification: Uncertain significance for Inborn genetic diseases. Last evaluated: 2020-02-13. Review status: criteria provided, single submitter. Criteria: Ambry Variant Classification Scheme 2023. Collection method: clinical testing. Allele origin: germline.
Comment: The p.D1971V variant (also known as c.5912A>T), located in coding exon 26 of the SCN9A gene, results from an A to T substitution at nucleotide position 5912. The aspartic acid at codon 1971 is replaced by valine, an amino acid with highly dissimilar properties. This amino acid position is well conserved in available vertebrate species. In addition, this alteration is predicted to be deleterious by in silico analysis. Since supporting evidence is limited at this time, the clinical significance of this alteration remains unclear.

Mayo Clinic Laboratories, Mayo Clinic
Classification: Uncertain significance. Last evaluated: 2020-01-09. Review status: criteria provided, single submitter. Criteria: ACMG Guidelines, 2015. Collection method: clinical testing. Allele origin: germline. Observed: 1 variant allele.

Illumina Laboratory Services, Illumina
Classification: Benign for Paroxysmal extreme pain disorder. Last evaluated: 2017-04-28. Review status: criteria provided, single submitter. Criteria: ICSL Variant Classification Criteria 13 December 2019. Collection method: clinical testing. Allele origin: germline.
Comment: This variant was observed as part of a predisposition screen in an ostensibly healthy population. A literature search was performed for the gene, cDNA change, and amino acid change (where applicable). No publications were found based on this search. Allele frequency data from public databases was too high to be consistent with this variant causing disease. Therefore, this variant is classified as benign.

Illumina Laboratory Services, Illumina
Classification: Benign for Primary erythromelalgia. Last evaluated: 2017-04-28. Review status: criteria provided, single submitter. Criteria: ICSL Variant Classification Criteria 13 December 2019. Collection method: clinical testing. Allele origin: germline.
Comment: This variant was observed as part of a predisposition screen in an ostensibly healthy population. A literature search was performed for the gene, cDNA change, and amino acid change (where applicable). Publications were found based on this search. The evidence from the literature, in combination with allele frequency data from public databases where available, was sufficient to rule this variant out of causing disease. Therefore, this variant is classified as benign.

Illumina Laboratory Services, Illumina
Classification: Uncertain significance for Channelopathy-associated congenital insensitivity to pain, autosomal recessive. Last evaluated: 2017-04-28. Review status: criteria provided, single submitter. Criteria: ICSL Variant Classification Criteria 13 December 2019. Collection method: clinical testing. Allele origin: germline.

Genome Diagnostics Laboratory, Amsterdam University Medical Center
Classification: Uncertain significance. Review status: no assertion criteria provided. Collection method: clinical testing. Allele origin: germline. Affected: yes. Study: VKGL Data-share Consensus. Not counted in ClinVar's aggregate classification.

Joint Genome Diagnostic Labs from Nijmegen and Maastricht, Radboudumc and MUMC+
Classification: Uncertain significance. Review status: no assertion criteria provided. Collection method: clinical testing. Allele origin: germline. Affected: yes. Study: VKGL Data-share Consensus. Not counted in ClinVar's aggregate classification.

Literature cited by the submitters: PubMed 29653220 (cited by Women's Health and Genetics/Laboratory Corporation of America, LabCorp); PubMed 30554136 (cited by Women's Health and Genetics/Laboratory Corporation of America, LabCorp); PubMed 25250524 (cited by Women's Health and Genetics/Laboratory Corporation of America, LabCorp and Illumina Laboratory Services, Illumina).